The following is an entry in ClinVar:

ClinVar aggregate classification (germline): Pathogenic (0 of 4 stars; one submission).

Conditions:
Alkaptonuria (AKU). Also called: Alkaptonuric ochronosis; Homogentisic acidura; HOMOGENTISIC ACID OXIDASE DEFICIENCY; Alcaptonuria. Identifiers: Orphanet 56, MedGen C0002066, MONDO:0008753, OMIM 203500.

Allele frequency attached by ClinVar (database versions not stated): gnomAD 0.00001; TOPMed 0.00001.
gnomAD v4.1: 1 of 1,554,462 alleles (0.000064%); highest among the groups gnomAD compares: African/African-American, 0.0014%; no homozygotes.

Submission:

Department Of Human Genetics, Institute Of Clinical And Translational Research, Biomedical Research Center, Slovak Academy Of Sciences
Classification: Pathogenic for Alkaptonuria. Review status: no assertion criteria provided. Collection method: research. Allele origin: germline. Inheritance: Autosomal recessive inheritance. Affected: yes. Observed: 2 variant alleles.
Comment: The variant was originally described in PMID:32212000. It has been submitted to the HGD gene mutation database (DB-ID: AKU_00253).

Literature cited by the submitters: PubMed 32212000.

NM_000187.4(HGD):c.775-16T>A

Gene: HGD (homogentisate 1,2-dioxygenase; minus strand). Cytogenetic location: 3q13.33.
Variant type: single nucleotide variant.
Coding change: c.775-16T>A on transcript NM_000187.4 (MANE Select); 16 bases into the intron before coding-DNA position 775, T replaced by A.
Molecular consequence: intron variant.
Genome position (GRCh38, 1-based): chr3:120,641,709, A>T on the plus strand (T>A on the coding strand, the complement: HGD is on the minus strand). VCF-style: chr3-120641709-A-T. GRCh37 (hg19) VCF-style: chr3-120360556-A-T.
Identifiers: ClinVar variation 2584769 (VCV002584769.2), dbSNP rs995182027, ClinGen allele CA81784084.